The following is an entry in ClinVar:

NM_018297.4(NGLY1):c.1757G>T (p.Arg586Leu)

Gene: NGLY1 (N-glycanase 1; minus strand). Cytogenetic location: 3p24.2.
Variant type: single nucleotide variant.
Coding change: c.1757G>T on transcript NM_018297.4 (MANE Select); coding-DNA position 1757, G replaced by T.
Protein change: p.Arg586Leu; replaces arginine 586 with leucine.
Molecular consequence: missense variant. On other transcripts: intron variant (1).
Genome position (GRCh38, 1-based): chr3:25,720,046, C>A on the plus strand (G>T on the coding strand, the complement: NGLY1 is on the minus strand). VCF-style: chr3-25720046-C-A. GRCh37 (hg19) VCF-style: chr3-25761537-C-A.
Other names: c.1703G>T, p.Arg568Leu (NM_001145293.2); c.1631G>T, p.Arg544Leu (NM_001145294.2); c.1612-411G>T (NM_001145295.2); short protein forms R544L, R568L, R586L.
Identifiers: ClinVar variation 2416694 (VCV002416694.4), dbSNP rs376913179, ClinGen allele CA2289080.

ClinVar aggregate classification (germline): Uncertain significance (1 of 4 stars; one submission).

Conditions:
Congenital disorder of deglycosylation (CDDG). Identifiers: MedGen C3808991, MONDO:0031376.

gnomAD v4.1: 5 of 1,613,216 alleles (0.00031%); highest among the groups gnomAD compares: South Asian, 0.0022%; no homozygotes.

Submission:

Labcorp Genetics (formerly Invitae), Labcorp
Classification: Uncertain significance for Congenital disorder of deglycosylation. Last evaluated: 2022-05-07. Review status: criteria provided, single submitter. Criteria: Invitae Variant Classification Sherloc (09022015). Collection method: clinical testing. Allele origin: germline.
Comment: This sequence change replaces arginine, which is basic and polar, with leucine, which is neutral and non-polar, at codon 586 of the NGLY1 protein (p.Arg586Leu). This variant is present in population databases (rs376913179, gnomAD 0.003%). This variant has not been reported in the literature in individuals affected with NGLY1-related conditions. Algorithms developed to predict the effect of missense changes on protein structure and function (SIFT, PolyPhen-2, Align-GVGD) all suggest that this variant is likely to be tolerated. In summary, the available evidence is currently insufficient to determine the role of this variant in disease. Therefore, it has been classified as a Variant of Uncertain Significance.